The following is an entry in ClinVar:

NM_000553.6(WRN):c.1252del (p.Ala418fs)

Gene: WRN (WRN RecQ like helicase; plus strand). Cytogenetic location: 8p12.
Variant type: Deletion.
Coding change: c.1252del on transcript NM_000553.6 (MANE Select); coding-DNA position 1252, one base deleted (G; older notation c.1252delG).
Protein change: p.Ala418fs; shifts the reading frame from alanine 418.
Molecular consequence: frameshift variant.
Genome position (GRCh38, 1-based): chr8:31,081,279, G deleted. VCF-style (leftmost placement, unchanged base first): chr8-31081278-TG-T. GRCh37 (hg19) VCF-style: chr8-30938794-TG-T.
Other names: short protein forms A418fs.
Identifiers: ClinVar variation 1072949 (VCV001072949.5), dbSNP rs2130121624, ClinGen allele CA2499219233.
Genomic context (GRCh38, chr8:31,081,278, plus strand): 5'-TACAGAACATGAACTCCAAATTTTGGAACAGCAGTCTCAGGAAGAATATCTTAGTGATAT[TG>T]CTTATAAATCTACTGAGGTACTAAATAAAGAGGAAGCACATTTTTAGTTATTAGTAGGTT-3'

ClinVar aggregate classification (germline): Pathogenic (1 of 4 stars; one submission).

Conditions:
Werner syndrome (WRN). Identifiers: Orphanet 902, MedGen C0043119, MONDO:0010196, OMIM 277700.

Submission:

Labcorp Genetics (formerly Invitae), Labcorp
Classification: Pathogenic for Werner syndrome. Last evaluated: 2022-06-20. Review status: criteria provided, single submitter. Criteria: Invitae Variant Classification Sherloc (09022015). Collection method: clinical testing. Allele origin: germline.
Comment: For these reasons, this variant has been classified as Pathogenic. ClinVar contains an entry for this variant (Variation ID: 1072949). This variant has not been reported in the literature in individuals affected with WRN-related conditions. This variant is not present in population databases (gnomAD no frequency). This sequence change creates a premature translational stop signal (p.Ala418Leufs*20) in the WRN gene. It is expected to result in an absent or disrupted protein product. Loss-of-function variants in WRN are known to be pathogenic (PMID: 16673358).

Literature cited by the submitters: PubMed 16673358.